The following is an entry in ClinVar:

NM_001377142.1(PLCB4):c.687-3C>G

Gene: PLCB4 (phospholipase C beta 4; plus strand). Cytogenetic location: 20p12.2.
Variant type: single nucleotide variant.
Coding change: c.687-3C>G on transcript NM_001377142.1 (MANE Select); 3 bases into the intron before coding-DNA position 687, C replaced by G.
Molecular consequence: intron variant.
Genome position (GRCh38, 1-based): chr20:9,373,044, C>G. VCF-style: chr20-9373044-C-G. GRCh37 (hg19) VCF-style: chr20-9353691-C-G.
Other names: c.687-3C>G (NM_001377134.2, NM_000933.4, NM_182797.3 and 4 more transcripts).
Identifiers: ClinVar variation 1675192 (VCV001675192.2), dbSNP rs2148305044, ClinGen allele CA2573157038.

ClinVar aggregate classification (germline): Uncertain significance (1 of 4 stars; one submission).

Conditions:
Auriculocondylar syndrome 2 (ARCND2A). Also called: AURICULOCONDYLAR SYNDROME 2A. Identifiers: Orphanet 137888, MedGen C3553404, MONDO:0013845, OMIM 614669.

Submission:

Centre of Medical Genetics, University Hospital Muenster
Classification: Uncertain significance for Auriculocondylar syndrome 2. Last evaluated: 2020-01-26. Review status: criteria provided, single submitter. Criteria: ACMG Guidelines, 2015. Collection method: clinical testing. Allele origin: germline. Affected: yes. Observed: 1 variant allele, 1 heterozygote.
Comment: ACMG categories: PM2,PP3